The following is an entry in ClinVar:

NM_014915.3(ANKRD26):c.59A>G (p.Gln20Arg)

Genes: ANKRD26 (ankyrin repeat domain 26; minus strand), LOC130003554 (ATAC-STARR-seq lymphoblastoid silent region 2243; plus strand). Cytogenetic location: 10p12.1.
Variant type: single nucleotide variant.
Coding change: c.59A>G on transcript NM_014915.3 (MANE Select); coding-DNA position 59, A replaced by G.
Protein change: p.Gln20Arg; replaces glutamine 20 with arginine.
Molecular consequence: missense variant.
Genome position (GRCh38, 1-based): chr10:27,100,268, T>C on the plus strand (A>G on the coding strand, the complement: ANKRD26 is on the minus strand). VCF-style: chr10-27100268-T-C. GRCh37 (hg19) VCF-style: chr10-27389197-T-C.
Other names: p.Gln20Arg; c.59A>G, p.Gln20Arg (NM_001256053.2); short protein forms Q20R.
Identifiers: ClinVar variation 260472 (VCV000260472.29), dbSNP rs7897309, ClinGen allele CA5449084.

ClinVar aggregate classification (germline): Benign/Likely benign. Review status: criteria provided, multiple submitters, no conflicts (2 of 4 stars). 11 submissions from 11 submitters: Benign (8); Likely benign (1). 2 of the submissions do not count toward it. Last evaluated 2026-02-04.

Conditions:
Thrombocytopenia 2 (THC2). Also called: ANKRD26-Related Thrombocytopenia. Identifiers: Orphanet 268322, MedGen C1861185, MONDO:0008555, OMIM 188000.

Allele frequency attached by ClinVar (database versions not stated): gnomAD exomes 0.86676 and 0.89909; ESP Exome Variant Server 0.89346; ExAC 0.89774; gnomAD 0.90221 and 0.90376; TOPMed 0.90427; 1000 Genomes Project 0.94469; 1000 Genomes Project 30x 0.94691.
gnomAD v4.1: 1,402,334 of 1,610,676 alleles (87%); highest among the groups gnomAD compares: East Asian, 100%; 612,103 homozygotes.

Submissions (11):

Labcorp Genetics (formerly Invitae), Labcorp
Classification: Benign. Last evaluated: 2026-02-04. Review status: criteria provided, single submitter. Criteria: Invitae Variant Classification Sherloc (09022015). Collection method: clinical testing. Allele origin: germline.

ARUP Laboratories, Molecular Genetics and Genomics, ARUP Laboratories
Classification: Benign for Thrombocytopenia 2. Last evaluated: 2025-07-30. Review status: criteria provided, single submitter. Criteria: ARUP Molecular Germline Variant Investigation Process 2024. Collection method: clinical testing. Allele origin: germline.

Blueprint Genetics
Classification: Likely benign. Last evaluated: 2024-11-27. Review status: criteria provided, single submitter. Criteria: ACMG Guidelines, 2015. Collection method: clinical testing. Allele origin: germline.

Mayo Clinic Laboratories, Mayo Clinic
Classification: Benign. Last evaluated: 2023-12-13. Review status: criteria provided, single submitter. Criteria: ACMG Guidelines, 2015. Collection method: clinical testing. Allele origin: germline. Observed: 967 variant alleles.

Genome-Nilou Lab
Classification: Benign for Thrombocytopenia 2. Last evaluated: 2021-12-05. Review status: criteria provided, single submitter. Criteria: ACMG Guidelines, 2015. Collection method: clinical testing. Allele origin: germline. Affected: no.

GeneDx
Classification: Benign. Last evaluated: 2018-11-09. Review status: criteria provided, single submitter. Criteria: GeneDx Variant Classification Process June 2021. Collection method: clinical testing. Allele origin: germline. Affected: yes.
Comment: This variant is associated with the following publications: (PMID: 21467542)

Illumina Laboratory Services, Illumina
Classification: Benign for Thrombocytopenia 2. Last evaluated: 2018-01-13. Review status: criteria provided, single submitter. Criteria: ICSL Variant Classification Criteria 13 December 2019. Collection method: clinical testing. Allele origin: germline.
Comment: This variant was observed in the ICSL laboratory as part of a predisposition screen in an ostensibly healthy population. It had not been previously curated by ICSL or reported in the Human Gene Mutation Database (HGMD: prior to June 1st, 2018), and was therefore a candidate for classification through an automated scoring system. Utilizing variant allele frequency, disease prevalence and penetrance estimates, and inheritance mode, an automated score was calculated to assess if this variant is too frequent to cause the disease. Based on the score and internal cut-off values, a variant classified as benign is not then subjected to further curation. The score for this variant resulted in a classification of benign for this disease.

Breakthrough Genomics
Classification: Benign. Review status: criteria provided, single submitter. Criteria: ACMG Guidelines, 2015. Collection method: not provided. Allele origin: germline. Inheritance: Autosomal dominant inheritance. Affected: yes.

PreventionGenetics, part of Exact Sciences
Classification: Benign. Review status: criteria provided, single submitter. Criteria: ACMG Guidelines, 2015. Collection method: clinical testing. Allele origin: germline.

Clinical Genetics DNA and cytogenetics Diagnostics Lab, Erasmus MC, Erasmus Medical Center
Classification: Benign. Review status: no assertion criteria provided. Collection method: clinical testing. Allele origin: germline. Affected: yes. Study: VKGL Data-share Consensus. Not counted in ClinVar's aggregate classification.

Diagnostic Laboratory, Department of Genetics, University Medical Center Groningen
Classification: Benign. Review status: no assertion criteria provided. Collection method: clinical testing. Allele origin: germline. Affected: yes. Study: VKGL Data-share Consensus. Not counted in ClinVar's aggregate classification.